The following is an entry in ClinVar:

NM_000310.4(PPT1):c.169del (p.Met57fs)

Gene: PPT1 (palmitoyl-protein thioesterase 1; minus strand). Cytogenetic location: 1p34.2.
Variant type: Deletion.
Coding change: c.169del on transcript NM_000310.4 (MANE Select); coding-DNA position 169, one base deleted (A; older notation c.169delA).
Protein change: p.Met57fs; shifts the reading frame from methionine 57.
Molecular consequence: frameshift variant. On other transcripts: intron variant (1).
Genome position (GRCh38, 1-based): chr1:40,092,463, T deleted on the plus strand (A on the coding strand, the reverse complement: PPT1 is on the minus strand); the first of 7 consecutive T bases (chr1:40,092,463-40,092,469); deleting any one gives the same sequence. VCF-style (leftmost placement, unchanged base first): chr1-40092462-AT-A. GRCh37 (hg19) VCF-style: chr1-40558134-AT-A.
Other names: c.169del, p.Met57fs (NM_001363695.2); c.125-2951del (NM_001142604.2); short protein forms M57fs.
Identifiers: ClinVar variation 2752503 (VCV002752503.3), dbSNP rs386833634, ClinGen allele CA645530871.

ClinVar aggregate classification (germline): Pathogenic (1 of 4 stars; one submission).

Conditions:
Neuronal ceroid lipofuscinosis 1 (CLN1). Also called: PPT1-Related Neuronal Ceroid-Lipofuscinosis; CEROID LIPOFUSCINOSIS, NEURONAL, 1, VARIABLE AGE AT ONSET. Identifiers: Orphanet 228329, MedGen C1850451, MONDO:0009744, OMIM 256730.

Submission:

Labcorp Genetics (formerly Invitae), Labcorp
Classification: Pathogenic for Neuronal ceroid lipofuscinosis 1. Last evaluated: 2023-06-09. Review status: criteria provided, single submitter. Criteria: Invitae Variant Classification Sherloc (09022015). Collection method: clinical testing. Allele origin: germline.
Comment: For these reasons, this variant has been classified as Pathogenic. This variant has not been reported in the literature in individuals affected with PPT1-related conditions. This variant is not present in population databases (gnomAD no frequency). This sequence change creates a premature translational stop signal (p.Met57Trpfs*14) in the PPT1 gene. It is expected to result in an absent or disrupted protein product. Loss-of-function variants in PPT1 are known to be pathogenic (PMID: 10679943, 21990111).

Literature cited by the submitters: PubMed 10679943; PubMed 21990111.